The following is an entry in ClinVar:

ClinVar aggregate classification (germline): Pathogenic (1 of 4 stars; one submission).

Submission:

Labcorp Genetics (formerly Invitae), Labcorp
Classification: Pathogenic. Last evaluated: 2018-05-14. Review status: criteria provided, single submitter. Criteria: Invitae Variant Classification Sherloc (09022015). Collection method: clinical testing. Allele origin: germline.
Comment: This variant has not been reported in the literature in individuals with SETD5-related disease. This variant is not present in population databases (ExAC no frequency). This sequence change creates a premature translational stop signal (p.Ala992Leufs*2) in the SETD5 gene. It is expected to result in an absent or disrupted protein product. Loss-of-function variants in SETD5 are known to be pathogenic (PMID: 24680889). For these reasons, this variant has been classified as Pathogenic.

Literature cited by the submitters: PubMed 24680889.

NM_001080517.3(SETD5):c.2965_2972dup (p.Asn991_Ala992insLeuTer)

Gene: SETD5 (SET domain containing 5; plus strand). Cytogenetic location: 3p25.3.
Variant type: Duplication.
Coding change: c.2965_2972dup on transcript NM_001080517.3 (MANE Select); coding-DNA positions 2965 to 2972, 8 bases duplicated (CCTTTGAA; older notation c.2965_2972dupCCTTTGAA).
Protein change: p.Asn991_Ala992insLeuTer.
Molecular consequence: nonsense, inframe insertion.
Genome position (GRCh38, 1-based): chr3:9,470,699-9,470,706, CCTTTGAA duplicated. VCF-style (leftmost placement, unchanged base first): chr3-9470698-C-CCCTTTGAA. GRCh37 (hg19) VCF-style: chr3-9512382-C-CCCTTTGAA.
Other names: c.2671_2678dup, p.Asn893_Ala894insLeuTer (NM_001292043.2, NM_001349451.2).
Identifiers: ClinVar variation 1070036 (VCV001070036.5), dbSNP rs2125578920, ClinGen allele CA2499216996.
Genomic context (GRCh38, chr3:9,470,698, plus strand): 5'-CCTCGTGAGAAACTCAGACCAGGCATTTCGGACAGAGTTCAACTTGATGTATGCCTACTC[C>CCCTTTGAA]CCTTTGAATGCTATGCCTCGAGCAGATGGACTGTATCGAGGATCTCCTCTAGTGGGGGAT-3'